The following is an entry in ClinVar:

NM_006005.3(WFS1):c.792C>G (p.Phe264Leu)

Gene: WFS1 (wolframin ER transmembrane glycoprotein; plus strand). Cytogenetic location: 4p16.1.
Variant type: single nucleotide variant.
Coding change: c.792C>G on transcript NM_006005.3 (MANE Select); coding-DNA position 792, C replaced by G.
Protein change: p.Phe264Leu; replaces phenylalanine 264 with leucine.
Molecular consequence: missense variant.
Genome position (GRCh38, 1-based): chr4:6,295,120, C>G. VCF-style: chr4-6295120-C-G. GRCh37 (hg19) VCF-style: chr4-6296847-C-G.
Other names: c.792C>G, p.Phe264Leu (NM_001145853.1); short protein forms F264L.
Identifiers: ClinVar variation 504707 (VCV000504707.16), dbSNP rs373669861, ClinGen allele CA2839056.

ClinVar aggregate classification (germline): Conflicting classifications of pathogenicity. Review status: criteria provided, conflicting classifications (1 of 4 stars). 8 submissions from 8 submitters: Uncertain significance (6); Likely benign (2). Last evaluated 2025-06-12.

Conditions:
Autosomal dominant nonsyndromic hearing loss 6 (LFSNHL). Also called: DEAFNESS, AUTOSOMAL DOMINANT 6; DEAFNESS, AUTOSOMAL DOMINANT 14; DEAFNESS, AUTOSOMAL DOMINANT 38; Autosomal dominant nonsyndromic deafness 6. Identifiers: Orphanet 90635, MedGen C1833021, MONDO:0010963, OMIM 600965.
Type 2 diabetes mellitus. Also called: Type II diabetes mellitus. Identifiers: MedGen C0011860, MeSH D003924, MONDO:0005148, OMIM 125853, HP:0005978.
Wolfram syndrome 1 (WFS1). Identifiers: Orphanet 3463, MedGen C4551693, MONDO:0009101, OMIM 222300.
Cataract 41 (CTRCT41). Also called: CATARACT 41, CONGENITAL NUCLEAR TYPE. Identifiers: Orphanet 91492, Orphanet 98991, Orphanet 98992, Orphanet 98995, MedGen C3805412, MONDO:0007287, OMIM 116400.
Wolfram-like syndrome. Also called: HEARING LOSS, PROGRESSIVE, WITH OPTIC ATROPHY AND/OR IMPAIRED GLUCOSE REGULATION. Identifiers: Orphanet 411590, MedGen C3280358, MONDO:0013673, OMIM 614296.
WFS1-related disorder. Identifiers: MedGen CN379391, MONDO:0700293.

Allele frequency attached by ClinVar (database versions not stated): ExAC 0.00002; gnomAD exomes 0.00002; gnomAD 0.00007 and 0.00008; TOPMed 0.00007; ESP Exome Variant Server 0.00015.
gnomAD v4.1: 17 of 1,613,366 alleles (0.0011%); highest among the groups gnomAD compares: African/African-American, 0.021%; no homozygotes.

Submissions (8):

Labcorp Genetics (formerly Invitae), Labcorp
Classification: Uncertain significance. Last evaluated: 2025-06-12. Review status: criteria provided, single submitter. Criteria: Invitae Variant Classification Sherloc (09022015). Collection method: clinical testing. Allele origin: germline.
Comment: This sequence change replaces phenylalanine, which is neutral and non-polar, with leucine, which is neutral and non-polar, at codon 264 of the WFS1 protein (p.Phe264Leu). This variant is present in population databases (rs373669861, gnomAD 0.02%). This variant has not been reported in the literature in individuals affected with WFS1-related conditions. ClinVar contains an entry for this variant (Variation ID: 504707). Invitae Evidence Modeling of protein sequence and biophysical properties (such as structural, functional, and spatial information, amino acid conservation, physicochemical variation, residue mobility, and thermodynamic stability) indicates that this missense variant is not expected to disrupt WFS1 protein function with a negative predictive value of 95%. In summary, the available evidence is currently insufficient to determine the role of this variant in disease. Therefore, it has been classified as a Variant of Uncertain Significance.

Women's Health and Genetics/Laboratory Corporation of America, LabCorp
Classification: Uncertain significance. Last evaluated: 2025-01-07. Review status: criteria provided, single submitter. Criteria: LabCorp Variant Classification Summary - May 2015. Collection method: clinical testing. Allele origin: germline.
Comment: Variant summary: WFS1 c.792C>G (p.Phe264Leu) results in a non-conservative amino acid change in the encoded protein sequence. Three of four in-silico tools predict a benign effect of the variant on protein function. The variant allele was found at a frequency of 1.6e-05 in 251138 control chromosomes. The available data on variant occurrences in the general population are insufficient to allow any conclusion about variant significance. To our knowledge, no occurrence of c.792C>G in individuals affected with Wolfram Syndrome 1 and no experimental evidence demonstrating its impact on protein function have been reported. ClinVar contains an entry for this variant (Variation ID: 504707). Based on the evidence outlined above, the variant was classified as uncertain significance.

Mayo Clinic Laboratories, Mayo Clinic
Classification: Uncertain significance. Last evaluated: 2024-07-24. Review status: criteria provided, single submitter. Criteria: ACMG Guidelines, 2015. Collection method: clinical testing. Allele origin: germline. Observed: 1 variant allele.
Comment: BP4, PM2

Fulgent Genetics
Classification: Uncertain significance for Cataract 41; Type 2 diabetes mellitus; Wolfram syndrome 1; Autosomal dominant nonsyndromic hearing loss 6; Wolfram-like syndrome. Last evaluated: 2024-01-24. Review status: criteria provided, single submitter. Criteria: ACMG Guidelines, 2015. Collection method: clinical testing. Allele origin: germline.

PreventionGenetics, part of Exact Sciences
Classification: Uncertain significance for WFS1-related condition. Last evaluated: 2023-04-24. Review status: criteria provided, single submitter. Criteria: ACMG Guidelines, 2015. Collection method: clinical testing. Allele origin: germline.
Comment: The WFS1 c.792C>G variant is predicted to result in the amino acid substitution p.Phe264Leu. To our knowledge, this variant has not been reported in the literature. This variant is reported in 0.020% of alleles in individuals of African descent in gnomAD. At this time, the clinical significance of this variant is uncertain due to the absence of conclusive functional and genetic evidence.

Blueprint Genetics
Classification: Uncertain significance. Last evaluated: 2022-09-13. Review status: criteria provided, single submitter. Criteria: ACMG Guidelines, 2015. Collection method: clinical testing. Allele origin: germline.

Laboratory for Molecular Medicine, Mass General Brigham Personalized Medicine
Classification: Likely benign. Last evaluated: 2016-07-21. Review status: criteria provided, single submitter. Criteria: LMM Criteria. Collection method: clinical testing. Allele origin: germline. Observed: 1 variant allele.
Comment: p.Phe264Leu in exon 7 of WFS1: This variant is not expected to have clinical sig nificance due to a lack of conservation across species, including mammals. Of no te, 9 different species including 3 mammals (Crab-eating macaque, david's myotis (bat), and oppossum) have a Leucine (Leu) at this position despite high nearby amino acid conservation. In addition, computational prediction tools do not sugg est a high likelihood of impact to the protein It has been identified in 2/10328 African chromosomes by the Exome Aggregation Consortium (ExAC; dbSNP rs373669861).

Clinical Genomics, Uppaluri K&H Personalized Medicine Clinic
Classification: Likely benign for Wolfram syndrome 1. Review status: criteria provided, single submitter. Criteria: K & H Uppaluri Personalized Medicine Clinic Variant Classification & Assertion Criteria_Updated V.1. Collection method: research. Allele origin: unknown. Inheritance: Autosomal recessive inheritance.
Comment: Potent mutations in WFS1 gene are associated with Wolfram's syndrome, an autosomal recessive condition, which cause diabetes mellitus, diabetes insipidus, deafness and optic atrophy.However no sufficient evidence is found to ascertain the role of this particular variant rs373669861 in Wolfram's syndrome yet.

Literature cited by the submitters: PubMed 20738327 (cited by Clinical Genomics, Uppaluri K&H Personalized Medicine Clinic); PubMed 33879153 (cited by Clinical Genomics, Uppaluri K&H Personalized Medicine Clinic); PubMed 12955714 (cited by Clinical Genomics, Uppaluri K&H Personalized Medicine Clinic); PubMed 18060660 (cited by Clinical Genomics, Uppaluri K&H Personalized Medicine Clinic); PubMed 20301750 (cited by Clinical Genomics, Uppaluri K&H Personalized Medicine Clinic); PubMed 17603484 (cited by Clinical Genomics, Uppaluri K&H Personalized Medicine Clinic).